The following is an entry in ClinVar:

NM_018297.4(NGLY1):c.1796G>A (p.Ser599Asn)

Gene: NGLY1 (N-glycanase 1; minus strand). Cytogenetic location: 3p24.2.
Variant type: single nucleotide variant.
Coding change: c.1796G>A on transcript NM_018297.4 (MANE Select); coding-DNA position 1796, G replaced by A.
Protein change: p.Ser599Asn; replaces serine 599 with asparagine.
Molecular consequence: missense variant.
Genome position (GRCh38, 1-based): chr3:25,719,629, C>T on the plus strand (G>A on the coding strand, the complement: NGLY1 is on the minus strand). VCF-style: chr3-25719629-C-T. GRCh37 (hg19) VCF-style: chr3-25761120-C-T.
Other names: c.1742G>A, p.Ser581Asn (NM_001145293.2); c.1670G>A, p.Ser557Asn (NM_001145294.2); c.1618G>A, p.Val540Ile (NM_001145295.2); short protein forms S581N, S557N, V540I, S599N.
Identifiers: ClinVar variation 947260 (VCV000947260.5), dbSNP rs903771343, ClinGen allele CA71656982.

ClinVar aggregate classification (germline): Conflicting classifications of pathogenicity. Review status: criteria provided, conflicting classifications (1 of 4 stars). 2 submissions from 2 submitters: Uncertain significance (1); Likely benign (1). Last evaluated 2023-12-15.

Conditions:
Congenital disorder of deglycosylation (CDDG). Identifiers: MedGen C3808991, MONDO:0031376.
Inborn genetic diseases. Identifiers: MedGen C0950123, MeSH D030342.

Allele frequency attached by ClinVar (database versions not stated): gnomAD 0.00003; TOPMed 0.00008; gnomAD exomes below 0.00001.
gnomAD v4.1: 10 of 1,610,660 alleles (0.00062%); highest among the groups gnomAD compares: Admixed American, 0.0084%; no homozygotes.

Submissions (2):

Ambry Genetics
Classification: Likely benign for Inborn genetic diseases. Last evaluated: 2023-12-15. Review status: criteria provided, single submitter. Criteria: Ambry Variant Classification Scheme 2023. Collection method: clinical testing. Allele origin: germline.

Labcorp Genetics (formerly Invitae), Labcorp
Classification: Uncertain significance for Congenital disorder of deglycosylation. Last evaluated: 2022-09-06. Review status: criteria provided, single submitter. Criteria: Invitae Variant Classification Sherloc (09022015). Collection method: clinical testing. Allele origin: germline.
Comment: This sequence change replaces serine, which is neutral and polar, with asparagine, which is neutral and polar, at codon 599 of the NGLY1 protein (p.Ser599Asn). This variant is present in population databases (no rsID available, gnomAD 0.0009%). This variant has not been reported in the literature in individuals affected with NGLY1-related conditions. ClinVar contains an entry for this variant (Variation ID: 947260). Algorithms developed to predict the effect of missense changes on protein structure and function output the following: SIFT: "Tolerated"; PolyPhen-2: "Benign"; Align-GVGD: "Class C0". The asparagine amino acid residue is found in multiple mammalian species, which suggests that this missense change does not adversely affect protein function. In summary, the available evidence is currently insufficient to determine the role of this variant in disease. Therefore, it has been classified as a Variant of Uncertain Significance.